The following is an entry in ClinVar:

ClinVar aggregate classification (germline): Uncertain significance. Review status: criteria provided, multiple submitters, no conflicts (2 of 4 stars). 2 submissions from 2 submitters: Uncertain significance (2). Last evaluated 2024-03-15.

Conditions:
Primary failure of tooth eruption. Also called: DENTAL NONERUPTION; PRIMARY RETENTION OF TEETH; UNERUPTED SECOND PRIMARY MOLAR; POSTERIOR OPENBITE MALOCCLUSION, FAMILIAL. Identifiers: Orphanet 412206, MedGen C1852222, MONDO:0007434, OMIM 125350.
Chondrodysplasia Blomstrand type (BOCD). Identifiers: Orphanet 50945, MedGen C1859148, MONDO:0008970, OMIM 215045.
Eiken syndrome (EKNS). Also called: BONE MODELING DEFECT OF HANDS AND FEET. Identifiers: Orphanet 79106, MedGen C1838779, MONDO:0010803, OMIM 600002.
Metaphyseal chondrodysplasia, Jansen type. Also called: PTH1R-Related Jansen Metaphyseal Chondrodysplasia; Metaphyseal chondrodysplasia Murk Jansen type. Identifiers: Orphanet 33067, MedGen C0265295, MONDO:0007982, OMIM 156400.

Allele frequency attached by ClinVar (database versions not stated): gnomAD 0.00001; gnomAD exomes 0.00001; TOPMed 0.00002; ExAC 0.00003; ESP Exome Variant Server 0.00008.

Submissions (2):

Fulgent Genetics
Classification: Uncertain significance for Primary failure of tooth eruption; Metaphyseal chondrodysplasia, Jansen type; Chondrodysplasia Blomstrand type; Eiken syndrome. Last evaluated: 2024-03-15. Review status: criteria provided, single submitter. Criteria: ACMG Guidelines, 2015. Collection method: clinical testing. Allele origin: germline.

Labcorp Genetics (formerly Invitae), Labcorp
Classification: Uncertain significance. Last evaluated: 2023-07-10. Review status: criteria provided, single submitter. Criteria: Invitae Variant Classification Sherloc (09022015). Collection method: clinical testing. Allele origin: germline.
Comment: This variant is present in population databases (rs375056411, gnomAD 0.01%). This sequence change replaces arginine, which is basic and polar, with tryptophan, which is neutral and slightly polar, at codon 404 of the PTH1R protein (p.Arg404Trp). An algorithm developed to predict the effect of missense changes on protein structure and function (PolyPhen-2) suggests that this variant is likely to be disruptive. In summary, the available evidence is currently insufficient to determine the role of this variant in disease. Therefore, it has been classified as a Variant of Uncertain Significance. ClinVar contains an entry for this variant (Variation ID: 2421608). This variant has not been reported in the literature in individuals affected with PTH1R-related conditions.

NM_000316.3(PTH1R):c.1210C>T (p.Arg404Trp)

Gene: PTH1R (parathyroid hormone 1 receptor; plus strand). Cytogenetic location: 3p21.31.
Variant type: single nucleotide variant.
Coding change: c.1210C>T on transcript NM_000316.3 (MANE Select); coding-DNA position 1210, C replaced by T.
Protein change: p.Arg404Trp; replaces arginine 404 with tryptophan.
Molecular consequence: missense variant.
Genome position (GRCh38, 1-based): chr3:46,901,859, C>T. VCF-style: chr3-46901859-C-T. GRCh37 (hg19) VCF-style: chr3-46943349-C-T.
Other names: c.1210C>T, p.Arg404Trp (NM_001184744.1); short protein forms R404W.
Identifiers: ClinVar variation 2421608 (VCV002421608.7), dbSNP rs375056411, ClinGen allele CA2359443.
Genomic context (GRCh38, chr3:46,901,859, plus strand): 5'-GTGCTCGCCACCAAGCTGCGGGAGACCAACGCCGGCCGGTGTGACACACGGCAGCAGTAC[C>T]GGTGAGCCCACCATGCCTGCCATGCCCTGGCTCCTCAGGGGTCCCTGAGTCCTGGTACCA-3'
Protein context (NP_000307.1, residues 394-414): AGRCDTRQQY[Arg404Trp]KLLKSTLVLM